The following is an entry in ClinVar:

ClinVar aggregate classification (germline): Likely pathogenic (1 of 4 stars; one submission).

Conditions:
Parenti-mignot neurodevelopmental syndrome. Identifiers: MedGen C5676984, MONDO:0859249, OMIM 619873.

gnomAD v4.1: 1 of 1,551,540 alleles (0.000064%); highest among the groups gnomAD compares: Non-Finnish European, 0.000087%; no homozygotes.

Submission:

Solve-RD Consortium
Classification: Likely pathogenic for Parenti-mignot neurodevelopmental syndrome. Review status: criteria provided, single submitter. Criteria: ACMG Guidelines, 2015. Collection method: provider interpretation. Allele origin: germline. Inheritance: Autosomal dominant inheritance. Affected: yes. Study: Solve-RD DIFT-EpiCARE reanalysis.
Comment: PVS1, PM2

Variant identified during reanalysis of unsolved cases by the Solve-RD project. The Solve-RD project has received funding from the European Union’s Horizon 2020 research and innovation programme under grant agreement No 779257.

NM_015557.3(CHD5):c.5743-1G>C

Gene: CHD5 (chromodomain helicase DNA binding protein 5; minus strand). Cytogenetic location: 1p36.31.
Variant type: single nucleotide variant.
Coding change: c.5743-1G>C on transcript NM_015557.3 (MANE Select); the canonical splice acceptor site of the intron before coding-DNA position 5743, G replaced by C.
Molecular consequence: splice acceptor variant.
Genome position (GRCh38, 1-based): chr1:6,106,510, C>G on the plus strand (G>C on the coding strand, the complement: CHD5 is on the minus strand). VCF-style: chr1-6106510-C-G. GRCh37 (hg19) VCF-style: chr1-6166570-C-G.
Identifiers: ClinVar variation 4890766 (VCV004890766.1).